The following is an entry in ClinVar:

NM_000261.2(MYOC):c.626C>A (p.Thr209Asn)

Gene: MYOC (myocilin; minus strand). Cytogenetic location: 1q24.3.
Variant type: single nucleotide variant.
Coding change: c.626C>A on transcript NM_000261.2 (MANE Select); coding-DNA position 626, C replaced by A.
Protein change: p.Thr209Asn; replaces threonine 209 with asparagine.
Molecular consequence: missense variant.
Genome position (GRCh38, 1-based): chr1:171,638,701, G>T on the plus strand (C>A on the coding strand, the complement: MYOC is on the minus strand). VCF-style: chr1-171638701-G-T. GRCh37 (hg19) VCF-style: chr1-171607841-G-T.
Other names: NM_000261.2:c.626C>A; short protein forms T209N.
Identifiers: ClinVar variation 1723168 (VCV001723168.3), dbSNP rs2527844435, ClinGen allele CA343727103.

ClinVar aggregate classification (germline): Likely benign (3 of 4 stars; one submission).

Conditions:
Open-angle glaucoma. Identifiers: MedGen C0017612, MONDO:0005338, HP:0012108.

Submission:

ClinGen Glaucoma Variant Curation Expert Panel
Classification: Likely benign for Open-angle glaucoma. Last evaluated: 2026-04-08. Review status: reviewed by expert panel. Criteria: ClinGen Glaucoma ACMG Specifications V2.0.0 Approved. Collection method: curation. Allele origin: germline. Inheritance: Autosomal dominant inheritance.
Comment: The c.626C>A variant in MYOC is a missense variant predicted to cause substitution of Threonine by Asparagine at amino acid 209 (p.Thr209Asn). This variant was not found in any genetic ancestry group of gnomAD (v4.1.0), meeting the ≤ 0.0001 threshold set for PM2_Supporting in a genetic ancestry group of at least 10,000 alleles. The REVEL score = 0.188, which is within the 0.184-0.290 range for BP4, suggesting that the variant does not impact MYOC function. The Thr209Asn protein had similar secretion levels compared to wild type myocilin protein in this study (PMID: 36267417). The assay met the OddsPath threshold for BS3_Moderate (< 0.23), indicating that this variant did not impact protein function. Only 1 proband with primary open angle glaucoma had been reported (PMID: 22933836), not meeting the ≥ 2 probands threshold required to meet PS4_Supporting. In summary, this variant met the criteria to receive a score of -2 and to be classified as likely benign (likely benign classification range -2 to -6, adapted from PMID: 32720330) for primary open angle glaucoma based on the ACMG/AMP criteria met, as specified by the ClinGen Glaucoma VCEP (v2.0.0, 5 Dec 2024): BS3_Moderate, BP4, PM2_Supporting

Literature cited by the submitters: PubMed 36267417.